The following is an entry in ClinVar:

ClinVar aggregate classification (germline): Conflicting classifications of pathogenicity. Review status: criteria provided, conflicting classifications (1 of 4 stars). 4 submissions from 4 submitters: Uncertain significance (3); Likely benign (1). Last evaluated 2023-12-04.

Conditions:
Hereditary cancer-predisposing syndrome. Also called: Tumor predisposition; Neoplastic Syndromes, Hereditary; Hereditary neoplastic syndrome; Hereditary Cancer Syndrome. Identifiers: Orphanet 140162, MedGen C0027672, MeSH D009386, MONDO:0015356.
CDH1-related diffuse gastric and lobular breast cancer syndrome. Also called: CDH1-related diffuse gastric and lobular breast cancer. Identifiers: MedGen CN311521, MONDO:0100488.
Hereditary diffuse gastric adenocarcinoma (HDGC). Also called: DIFFUSE GASTRIC AND LOBULAR BREAST CANCER SYNDROME. Identifiers: Orphanet 26106, MedGen C1708349, MONDO:0007648, OMIM 137215.

Allele frequency attached by ClinVar (database versions not stated): gnomAD exomes below 0.00001.
gnomAD v4.1: 2 of 1,613,940 alleles (0.00012%); highest among the groups gnomAD compares: Non-Finnish European, 0.00017%; no homozygotes.

Submissions (4):

Color Diagnostics, LLC DBA Color Health
Classification: Uncertain significance for Hereditary cancer-predisposing syndrome. Last evaluated: 2023-12-04. Review status: criteria provided, single submitter. Criteria: ACMG Guidelines, 2015. Collection method: clinical testing. Allele origin: germline.
Comment: This missense variant replaces histidine with aspartic acid at codon 555 of the CDH1 protein. To our knowledge, functional studies have not been reported for this variant. This variant has not been reported in individuals affected with hereditary cancer in the literature. This variant has not been identified in the general population by the Genome Aggregation Database (gnomAD). The available evidence is insufficient to determine the role of this variant in disease conclusively. Therefore, this variant is classified as a Variant of Uncertain Significance.

Ambry Genetics
Classification: Likely benign for Hereditary cancer-predisposing syndrome. Last evaluated: 2023-11-30. Review status: criteria provided, single submitter. Criteria: Ambry Variant Classification Scheme 2023. Collection method: clinical testing. Allele origin: germline.

Labcorp Genetics (formerly Invitae), Labcorp
Classification: Uncertain significance for Hereditary diffuse gastric adenocarcinoma. Last evaluated: 2023-01-28. Review status: criteria provided, single submitter. Criteria: Invitae Variant Classification Sherloc (09022015). Collection method: clinical testing. Allele origin: germline.
Comment: In summary, the available evidence is currently insufficient to determine the role of this variant in disease. Therefore, it has been classified as a Variant of Uncertain Significance. Algorithms developed to predict the effect of missense changes on protein structure and function (SIFT, PolyPhen-2, Align-GVGD) all suggest that this variant is likely to be tolerated. ClinVar contains an entry for this variant (Variation ID: 142853). This variant has not been reported in the literature in individuals affected with CDH1-related conditions. This variant is not present in population databases (gnomAD no frequency). This sequence change replaces histidine, which is basic and polar, with aspartic acid, which is acidic and polar, at codon 555 of the CDH1 protein (p.His555Asp).

Department of Pathology and Laboratory Medicine, Sinai Health System
Classification: Uncertain significance for CDH1-related diffuse gastric and lobular breast cancer syndrome. Last evaluated: 2019-11-05. Review status: criteria provided, single submitter. Criteria: ACMG Guidelines, 2015. Collection method: clinical testing. Allele origin: germline. Affected: yes.

NM_004360.5(CDH1):c.1663C>G (p.His555Asp)

Gene: CDH1 (cadherin 1; plus strand). Cytogenetic location: 16q22.1.
Variant type: single nucleotide variant.
Coding change: c.1663C>G on transcript NM_004360.5 (MANE Select); coding-DNA position 1663, C replaced by G.
Protein change: p.His555Asp; replaces histidine 555 with aspartic acid.
Molecular consequence: missense variant. On other transcripts: intron variant (1).
Genome position (GRCh38, 1-based): chr16:68,819,377, C>G. VCF-style: chr16-68819377-C-G. GRCh37 (hg19) VCF-style: chr16-68853280-C-G.
Other names: c.1663C>G (LRG_301t1, NM_004360.4); c.1480C>G, p.His494Asp (NM_001317184.2); c.115C>G, p.His39Asp (NM_001317185.2); c.-254-2624C>G (NM_001317186.2); short protein forms H555D, H39D, H494D.
Identifiers: ClinVar variation 142853 (VCV000142853.13), dbSNP rs587782768, ClinGen allele CA169580.